The following is an entry in ClinVar:

ClinVar aggregate classification (germline): Uncertain significance (1 of 4 stars; one submission).

Submission:

GeneDx
Classification: Uncertain significance. Last evaluated: 2023-01-09. Review status: criteria provided, single submitter. Criteria: GeneDx Variant Classification Process June 2021. Collection method: clinical testing. Allele origin: germline. Affected: yes.
Comment: Not observed at significant frequency in large population cohorts (gnomAD); In silico analysis supports that this missense variant does not alter protein structure/function; Has not been previously published as pathogenic or benign to our knowledge

NM_001318852.2(MAPK8IP3):c.374A>G (p.Gln125Arg)

Gene: MAPK8IP3 (mitogen-activated protein kinase 8 interacting protein 3; plus strand). Cytogenetic location: 16p13.3.
Variant type: single nucleotide variant.
Coding change: c.374A>G on transcript NM_001318852.2 (MANE Select); coding-DNA position 374, A replaced by G.
Protein change: p.Gln125Arg; replaces glutamine 125 with arginine.
Molecular consequence: missense variant.
Genome position (GRCh38, 1-based): chr16:1,724,612, A>G. VCF-style: chr16-1724612-A-G. GRCh37 (hg19) VCF-style: chr16-1774613-A-G.
Other names: c.374A>G, p.Gln125Arg (NM_001040439.2, NM_015133.5, NM_033392.3); short protein forms Q125R.
Identifiers: ClinVar variation 2571936 (VCV002571936.1), dbSNP rs2547979058, ClinGen allele CA394217661.